The following is an entry in ClinVar:

ClinVar aggregate classification (germline): Conflicting classifications of pathogenicity. Review status: criteria provided, conflicting classifications (1 of 4 stars). 7 submissions from 7 submitters: Uncertain significance (1); Likely benign (5). 1 of the submissions does not count toward it. Last evaluated 2025-02-16.

Conditions:
APTX-related disorder. Also called: APTX-related condition.
Ataxia, early-onset, with oculomotor apraxia and hypoalbuminemia (EAOH). Also called: ATAXIA-OCULOMOTOR APRAXIA SYNDROME; ATAXIA-TELANGIECTASIA-LIKE SYNDROME; Ataxia-oculomotor apraxia type 1. Identifiers: Orphanet 1168, MedGen C1859598, MONDO:0008842, OMIM 208920.

Allele frequency attached by ClinVar (database versions not stated): ExAC 0.00007; gnomAD 0.00009 and 0.00010; gnomAD exomes 0.00011 and 0.00020; TOPMed 0.00013; ESP Exome Variant Server 0.00023.
gnomAD v4.1: 303 of 1,608,838 alleles (0.019%); highest among the groups gnomAD compares: Non-Finnish European, 0.025%; no homozygotes.

Submissions (7):

Laboratory of Genetics, Children's Clinical University Hospital Latvia
Classification: Likely benign. Last evaluated: 2025-02-16. Review status: criteria provided, single submitter. Criteria: ACMG Guidelines, 2015. Collection method: clinical testing. Allele origin: germline. Affected: yes.

Athena Diagnostics
Classification: Likely benign. Last evaluated: 2025-01-17. Review status: criteria provided, single submitter. Criteria: Athena Diagnostics Criteria. Collection method: clinical testing. Allele origin: unknown.
Comment: Computational tools yielded predictions that this variant is unlikely to have an effect on normal RNA splicing. This nucleotide position exhibits low evolutionary conservation.

Labcorp Genetics (formerly Invitae), Labcorp
Classification: Likely benign. Last evaluated: 2024-10-21. Review status: criteria provided, single submitter. Criteria: Invitae Variant Classification Sherloc (09022015). Collection method: clinical testing. Allele origin: germline.

Blueprint Genetics
Classification: Likely benign. Last evaluated: 2023-02-03. Review status: criteria provided, single submitter. Criteria: ACMG Guidelines, 2015. Collection method: clinical testing. Allele origin: germline.

GeneDx
Classification: Likely benign. Last evaluated: 2019-01-11. Review status: criteria provided, single submitter. Criteria: GeneDx Variant Classification Process June 2021. Collection method: clinical testing. Allele origin: germline. Affected: yes.

Illumina Laboratory Services, Illumina
Classification: Uncertain significance for Ataxia, early-onset, with oculomotor apraxia and hypoalbuminemia. Last evaluated: 2018-01-12. Review status: criteria provided, single submitter. Criteria: ICSL Variant Classification Criteria 13 December 2019. Collection method: clinical testing. Allele origin: germline.

PreventionGenetics, part of Exact Sciences
Classification: Likely benign for APTX-related condition. Last evaluated: 2019-05-06. Review status: no assertion criteria provided. Collection method: clinical testing. Allele origin: germline. Not counted in ClinVar's aggregate classification.
Comment: This variant is classified as likely benign based on ACMG/AMP sequence variant interpretation guidelines (Richards et al. 2015 PMID: 25741868, with internal and published modifications).

NM_001195248.2(APTX):c.544-4C>T

Gene: APTX (aprataxin; minus strand). Cytogenetic location: 9p21.1.
Variant type: single nucleotide variant.
Coding change: c.544-4C>T on transcript NM_001195248.2 (MANE Select); 4 bases into the intron before coding-DNA position 544, C replaced by T.
Molecular consequence: intron variant.
Genome position (GRCh38, 1-based): chr9:32,984,861, G>A on the plus strand (C>T on the coding strand, the complement: APTX is on the minus strand). VCF-style: chr9-32984861-G-A. GRCh37 (hg19) VCF-style: chr9-32984859-G-A.
Other names: c.382-4C>T (NM_001369001.1, NM_001369000.1, NM_001195250.2 and 1 more transcripts); c.544-4C>T (NM_001368996.1, NM_001368995.1, NM_001368997.1 and 6 more transcripts); c.280-4C>T (NM_001369002.1, NM_001369003.1, NM_001369004.1 and 5 more transcripts); c.328-4C>T (NM_001195252.2).
Identifiers: ClinVar variation 380274 (VCV000380274.21), dbSNP rs201736194, ClinGen allele CA5022369.